The following is an entry in ClinVar:

ClinVar aggregate classification (germline): Uncertain significance (1 of 4 stars; one submission).

Allele frequency attached by ClinVar (database versions not stated): gnomAD 0.00002; ExAC 0.00003; gnomAD exomes 0.00003.
gnomAD v4.1: 19 of 1,521,928 alleles (0.0012%); no homozygotes.

Submission:

GeneDx
Classification: Uncertain significance. Last evaluated: 2023-06-13. Review status: criteria provided, single submitter. Criteria: GeneDx Variant Classification Process June 2021. Collection method: clinical testing. Allele origin: germline. Affected: yes.
Comment: In silico analysis supports that this missense variant has a deleterious effect on protein structure/function; Has not been previously published as pathogenic or benign to our knowledge

NM_020461.4(TUBGCP6):c.2701C>T (p.Pro901Ser)

Gene: TUBGCP6 (tubulin gamma complex component 6; minus strand). Cytogenetic location: 22q13.33.
Variant type: single nucleotide variant.
Coding change: c.2701C>T on transcript NM_020461.4 (MANE Select); coding-DNA position 2701, C replaced by T.
Protein change: p.Pro901Ser; replaces proline 901 with serine.
Molecular consequence: missense variant.
Genome position (GRCh38, 1-based): chr22:50,221,658, G>A on the plus strand (C>T on the coding strand, the complement: TUBGCP6 is on the minus strand). VCF-style: chr22-50221658-G-A. GRCh37 (hg19) VCF-style: chr22-50660087-G-A.
Other names: short protein forms P901S.
Identifiers: ClinVar variation 3252195 (VCV003252195.1), dbSNP rs757349018.